The following is an entry in ClinVar:

NM_004750.5(CRLF1):c.756_757del (p.Gln252fs)

Genes: CRLF1 (cytokine receptor like factor 1; minus strand), LOC112543470 (Sharpr-MPRA regulatory region 11645; plus strand). Cytogenetic location: 19p13.11.
Variant type: Deletion.
Coding change: c.756_757del on transcript NM_004750.5 (MANE Select); coding-DNA positions 756 to 757, 2 bases deleted (GC; older notation c.756_757delGC).
Protein change: p.Gln252fs; shifts the reading frame from glutamine 252.
Molecular consequence: frameshift variant.
Genome position (GRCh38, 1-based): chr19:18,596,990-18,596,991, GC deleted on the plus strand (GC on the coding strand, the reverse complement: CRLF1 is on the minus strand). VCF-style (leftmost placement, unchanged base first): chr19-18596989-AGC-A. GRCh37 (hg19) VCF-style: chr19-18707799-AGC-A.
Other names: short protein forms Q252fs.
Identifiers: ClinVar variation 3775479 (VCV003775479.1).

ClinVar aggregate classification (germline): Pathogenic (1 of 4 stars; one submission).

Conditions:
Cold-induced sweating syndrome 1 (CISS1). Also called: MUSCLE CONTRACTIONS, TETANOFORM, WITH CHARACTERISTIC FACE, CAMPTODACTYLY, HYPERTHERMIA, AND SUDDEN DEATH; Crisponi syndrome; CRISPONI/COLD-INDUCED SWEATING SYNDROME 1; CRLF1-Related Cold-Induced Sweating Syndrome including Crisponi Syndrome. Identifiers: Orphanet 1545, Orphanet 157820, MedGen C1848947, MONDO:0010091, OMIM 272430.

Submission:

3billion
Classification: Pathogenic for Cold-induced sweating syndrome 1. Last evaluated: 2023-08-08. Review status: criteria provided, single submitter. Criteria: ACMG Guidelines, 2015. Collection method: clinical testing. Allele origin: germline. Affected: yes.
Comment: The variant is not observed in the gnomAD v2.1.1 dataset. Predicted Consequence/Location: Frameshift: predicted to result in a loss or disruption of normal protein function through nonsense-mediated decay (NMD) or protein truncation. Multiple pathogenic variants are reported downstream of the variant. Therefore, this variant is classified as Pathogenic according to the recommendation of ACMG/AMP guideline.